The following is an entry in ClinVar:

ClinVar aggregate classification (germline): Uncertain significance (1 of 4 stars; one submission).

Conditions:
Hereditary cancer-predisposing syndrome. Also called: Neoplastic Syndromes, Hereditary; Hereditary neoplastic syndrome; Tumor predisposition; Hereditary Cancer Syndrome. Identifiers: Orphanet 140162, MedGen C0027672, MeSH D009386, MONDO:0015356.

Allele frequency attached by ClinVar (database versions not stated): gnomAD exomes below 0.00001.
gnomAD v4.1: 3 of 1,611,792 alleles (0.00019%); highest among the groups gnomAD compares: Non-Finnish European, 0.00025%; no homozygotes.

Submission:

Ambry Genetics
Classification: Uncertain significance for Hereditary cancer-predisposing syndrome. Last evaluated: 2023-01-17. Review status: criteria provided, single submitter. Criteria: Ambry Variant Classification Scheme 2023. Collection method: clinical testing. Allele origin: germline.
Comment: The p.I101M variant (also known as c.303T>G), located in coding exon 2 of the POLD1 gene, results from a T to G substitution at nucleotide position 303. The isoleucine at codon 101 is replaced by methionine, an amino acid with highly similar properties. This amino acid position is conserved. In addition, this alteration is predicted to be tolerated by in silico analysis. Since supporting evidence is limited at this time, the clinical significance of this alteration remains unclear.

NM_002691.4(POLD1):c.303T>G (p.Ile101Met)

Gene: POLD1 (DNA polymerase delta 1, catalytic subunit; plus strand). Cytogenetic location: 19q13.33.
Variant type: single nucleotide variant.
Coding change: c.303T>G on transcript NM_002691.4 (MANE Select); coding-DNA position 303, T replaced by G.
Protein change: p.Ile101Met; replaces isoleucine 101 with methionine.
Molecular consequence: missense variant. On other transcripts: non-coding transcript variant (1).
Genome position (GRCh38, 1-based): chr19:50,399,471, T>G. VCF-style: chr19-50399471-T-G. GRCh37 (hg19) VCF-style: chr19-50902728-T-G.
Other names: c.303T>G, p.Ile101Met (NM_001256849.1, NM_001308632.1); short protein forms I101M.
Identifiers: ClinVar variation 2496901 (VCV002496901.2), dbSNP rs1601190940, ClinGen allele CA406970653.